The following is an entry in ClinVar:

ClinVar aggregate classification (germline): Conflicting classifications of pathogenicity. Review status: criteria provided, conflicting classifications (1 of 4 stars). 7 submissions from 7 submitters: Uncertain significance (1); Benign (1); Likely benign (5). Last evaluated 2025-12-15.

Conditions:
Collagen 6-related myopathy. Identifiers: MedGen CN117976, MONDO:0100225.
Bethlem myopathy 1A. Also called: Bethlem myopathy 1; MYOPATHY, BENIGN CONGENITAL, WITH CONTRACTURES; Bethlem Muscular Dystrophy. Identifiers: Orphanet 610, MedGen CN029274, MONDO:0024530, OMIM 158810.

Allele frequency attached by ClinVar (database versions not stated): ExAC 0.00016; TOPMed 0.00016; gnomAD exomes 0.00020; 1000 Genomes Project 30x 0.00047; 1000 Genomes Project 0.00060; gnomAD 0.00010 and 0.00012.
gnomAD v4.1: 120 of 1,613,994 alleles (0.0074%); highest among the groups gnomAD compares: East Asian, 0.16%; no homozygotes.

Submissions (7):

Labcorp Genetics (formerly Invitae), Labcorp
Classification: Likely benign for Bethlem myopathy 1A. Last evaluated: 2025-12-15. Review status: criteria provided, single submitter. Criteria: Invitae Variant Classification Sherloc (09022015). Collection method: clinical testing. Allele origin: germline.

CeGaT Center for Human Genetics Tuebingen
Classification: Likely benign. Last evaluated: 2025-01-01. Review status: criteria provided, single submitter. Criteria: CeGaT Center For Human Genetics Tuebingen Variant Classification Criteria Version 2. Collection method: clinical testing. Allele origin: germline. Affected: yes. Observed: 1 variant allele.
Comment: COL6A3: BP4, BP7

Blueprint Genetics
Classification: Likely benign. Last evaluated: 2024-03-01. Review status: criteria provided, single submitter. Criteria: ACMG Guidelines, 2015. Collection method: clinical testing. Allele origin: germline.

GeneDx
Classification: Likely benign. Last evaluated: 2019-01-02. Review status: criteria provided, single submitter. Criteria: GeneDx Variant Classification Process June 2021. Collection method: clinical testing. Allele origin: germline. Affected: yes.

Illumina Laboratory Services, Illumina
Classification: Benign for Collagen VI-related myopathy. Last evaluated: 2018-01-13. Review status: criteria provided, single submitter. Criteria: ICSL Variant Classification Criteria 13 December 2019. Collection method: clinical testing. Allele origin: germline.
Comment: This variant was observed in the ICSL laboratory as part of a predisposition screen in an ostensibly healthy population. It had not been previously curated by ICSL or reported in the Human Gene Mutation Database (HGMD: prior to June 1st, 2018), and was therefore a candidate for classification through an automated scoring system. Utilizing variant allele frequency, disease prevalence and penetrance estimates, and inheritance mode, an automated score was calculated to assess if this variant is too frequent to cause the disease. Based on the score and internal cut-off values, a variant classified as benign is not then subjected to further curation. The score for this variant resulted in a classification of benign for this disease.

Eurofins Ntd Llc (ga)
Classification: Uncertain significance. Last evaluated: 2017-11-17. Review status: criteria provided, single submitter. Criteria: EGL Classification Definitions 2015. Collection method: clinical testing. Allele origin: germline. Observed: 1 variant allele, 1 heterozygote.

PreventionGenetics, part of Exact Sciences
Classification: Likely benign. Review status: criteria provided, single submitter. Criteria: ACMG Guidelines, 2015. Collection method: clinical testing. Allele origin: germline.

NM_004369.4(COL6A3):c.3324C>T (p.Thr1108=)

Gene: COL6A3 (collagen type VI alpha 3 chain; minus strand). Cytogenetic location: 2q37.3.
Variant type: single nucleotide variant.
Coding change: c.3324C>T on transcript NM_004369.4 (MANE Select); coding-DNA position 3324, C replaced by T.
Protein change: p.Thr1108=; no amino-acid change (threonine 1108 retained).
Molecular consequence: synonymous variant.
Genome position (GRCh38, 1-based): chr2:237,374,767, G>A on the plus strand (C>T on the coding strand, the complement: COL6A3 is on the minus strand). VCF-style: chr2-237374767-G-A. GRCh37 (hg19) VCF-style: chr2-238283410-G-A.
Other names: c.2103C>T, p.Thr701= (NM_057164.5); c.2706C>T, p.Thr902= (NM_057165.5, NM_057167.4); c.1503C>T, p.Thr501= (NM_057166.5).
Identifiers: ClinVar variation 259298 (VCV000259298.37), dbSNP rs116239777, ClinGen allele CA2189187.